The following is an entry in ClinVar:

NM_000059.4(BRCA2):c.6543A>T (p.Gly2181=)

Gene: BRCA2 (BRCA2 DNA repair associated; plus strand). Cytogenetic location: 13q13.1.
Variant type: single nucleotide variant.
Coding change: c.6543A>T on transcript NM_000059.4 (MANE Select); coding-DNA position 6543, A replaced by T.
Protein change: p.Gly2181=; no amino-acid change (glycine 2181 retained).
Molecular consequence: synonymous variant.
Genome position (GRCh38, 1-based): chr13:32,340,898, A>T. VCF-style: chr13-32340898-A-T. GRCh37 (hg19) VCF-style: chr13-32915035-A-T.
Identifiers: ClinVar variation 578101 (VCV000578101.16), dbSNP rs1131692121, ClinGen allele CA483439108.

ClinVar aggregate classification (germline): Likely benign. Review status: criteria provided, multiple submitters, no conflicts (2 of 4 stars). 4 submissions from 4 submitters: Likely benign (4). Last evaluated 2023-08-10.

Conditions:
Hereditary breast ovarian cancer syndrome. Also called: Hereditary breast and ovarian cancer; Breast and ovarian cancer; Hereditary breast and ovarian cancer syndrome; BRCA1- and BRCA2-Associated Hereditary Breast and Ovarian Cancer; Hereditary breast and/or ovarian cancer syndrome; Hereditary breast and ovarian cancer syndrome (HBOC). Identifiers: Orphanet 145, MedGen C0677776, MeSH D061325, MONDO:0003582. Disease mechanism: loss of function.
Hereditary cancer-predisposing syndrome. Also called: Tumor predisposition; Hereditary neoplastic syndrome; Hereditary Cancer Syndrome; Neoplastic Syndromes, Hereditary. Identifiers: Orphanet 140162, MedGen C0027672, MeSH D009386, MONDO:0015356.

Allele frequency attached by ClinVar (database versions not stated): gnomAD 0.00001; TOPMed below 0.00001.
gnomAD v4.1: 1 of 1,607,496 alleles (0.000062%); highest among the groups gnomAD compares: Non-Finnish European, 0.000085%; no homozygotes.

Submissions (4):

Labcorp Genetics (formerly Invitae), Labcorp
Classification: Likely benign for Hereditary breast ovarian cancer syndrome. Last evaluated: 2023-08-10. Review status: criteria provided, single submitter. Criteria: Invitae Variant Classification Sherloc (09022015). Collection method: clinical testing. Allele origin: germline.

Women's Health and Genetics/Laboratory Corporation of America, LabCorp
Classification: Likely benign. Last evaluated: 2022-06-03. Review status: criteria provided, single submitter. Criteria: LabCorp Variant Classification Summary - May 2015. Collection method: clinical testing. Allele origin: germline.

Ambry Genetics
Classification: Likely benign for Hereditary cancer-predisposing syndrome. Last evaluated: 2019-10-21. Review status: criteria provided, single submitter. Criteria: Ambry Variant Classification Scheme 2023. Collection method: clinical testing. Allele origin: germline.

GeneDx
Classification: Likely benign. Last evaluated: 2018-05-02. Review status: criteria provided, single submitter. Criteria: GeneDx Variant Classification (06012015). Collection method: clinical testing. Allele origin: germline. Affected: yes.
Comment: This variant is considered likely benign or benign based on one or more of the following criteria: it is a conservative change, it occurs at a poorly conserved position in the protein, it is predicted to be benign by multiple in silico algorithms, and/or has population frequency not consistent with disease.